The following is an entry in ClinVar:

ClinVar aggregate classification (germline): Benign. Review status: criteria provided, multiple submitters, no conflicts (2 of 4 stars). 4 submissions from 4 submitters: Benign (2). 2 of the submissions do not count toward it. Last evaluated 2026-02-01.

Allele frequency attached by ClinVar (database versions not stated): ESP Exome Variant Server 0.00054; TOPMed 0.00091; 1000 Genomes Project 30x 0.00281; gnomAD exomes 0.00321 and 0.00678; 1000 Genomes Project 0.00359; gnomAD 0.00576 and 0.00585; ExAC 0.00587.
gnomAD v4.1: 5,564 of 1,613,952 alleles (0.34%); highest among the groups gnomAD compares: East Asian, 2.3%; 133 homozygotes.

Submissions (4):

Labcorp Genetics (formerly Invitae), Labcorp
Classification: Benign. Last evaluated: 2026-02-01. Review status: criteria provided, single submitter. Criteria: Invitae Variant Classification Sherloc (09022015). Collection method: clinical testing. Allele origin: germline.

GeneDx
Classification: Benign. Last evaluated: 2020-02-06. Review status: criteria provided, single submitter. Criteria: GeneDx Variant Classification Process June 2021. Collection method: clinical testing. Allele origin: germline. Affected: yes.

Leiden Muscular Dystrophy (TNNT3)
No classification provided. Last evaluated: 2012-03-18. Review status: no classification provided. Collection method: curation. Allele origin: germline. Not counted in ClinVar's aggregate classification.

Genetic Services Laboratory, University of Chicago
Classification: Likely benign for AllHighlyPenetrant. Review status: no assertion criteria provided. Collection method: clinical testing. Allele origin: germline. Inheritance: Autosomal dominant inheritance. Not counted in ClinVar's aggregate classification.
Comment: Likely benign based on allele frequency in 1000 Genomes Project or ESP global frequency and its presence in a patient with a rare or unrelated disease phenotype. NOT Sanger confirmed.

NM_006757.4(TNNT3):c.414G>A (p.Glu138=)

Gene: TNNT3 (troponin T3, fast skeletal type; plus strand). Cytogenetic location: 11p15.5.
Variant type: single nucleotide variant.
Coding change: c.414G>A on transcript NM_006757.4 (MANE Select); coding-DNA position 414, G replaced by A.
Protein change: p.Glu138=; no amino-acid change (glutamic acid 138 retained).
Molecular consequence: synonymous variant.
Genome position (GRCh38, 1-based): chr11:1,934,379, G>A. VCF-style: chr11-1934379-G-A. GRCh37 (hg19) VCF-style: chr11-1955609-G-A.
Other names: c.390G>A, p.Glu130= (NM_001042780.3, NM_001042782.3, NM_001297646.2 and 2 more transcripts); c.408G>A, p.Glu136= (NM_001042781.3, NM_001367842.1, NM_001367843.1); c.423G>A, p.Glu141= (NM_001363561.2, NM_001367847.1); c.447G>A, p.Glu149= (NM_001367846.1); c.411G>A, p.Glu137= (NM_001367848.1); c.402G>A, p.Glu134= (NM_001367849.1); c.357G>A, p.Glu119= (NM_001367850.1); c.210G>A, p.Glu70= (NM_001367851.1, NM_001367852.1).
Identifiers: ClinVar variation 31870 (VCV000031870.21), dbSNP rs2292470, ClinGen allele CA155744.